The following is an entry in ClinVar:

ClinVar aggregate classification (germline): Uncertain significance (1 of 4 stars; one submission).

Submission:

CeGaT Center for Human Genetics Tuebingen
Classification: Uncertain significance. Last evaluated: 2026-07-01. Review status: criteria provided, single submitter. Criteria: CeGaT Center For Human Genetics Tuebingen Variant Classification Criteria Version 2. Collection method: clinical testing. Allele origin: germline. Affected: yes. Observed: 1 variant allele.
Comment: ATG7: PM2

NM_001349232.2(ATG7):c.1720G>A (p.Val574Met)

Gene: ATG7 (autophagy related 7; plus strand). Cytogenetic location: 3p25.3.
Variant type: single nucleotide variant.
Coding change: c.1720G>A on transcript NM_001349232.2 (MANE Select); coding-DNA position 1720, G replaced by A.
Protein change: p.Val574Met; replaces valine 574 with methionine.
Molecular consequence: missense variant.
Genome position (GRCh38, 1-based): chr3:11,362,849, G>A. VCF-style: chr3-11362849-G-A. GRCh37 (hg19) VCF-style: chr3-11404323-G-A.
Other names: c.1720G>A, p.Val574Met (NM_001136031.3, NM_001349233.2, NM_001349234.2 and 2 more transcripts); c.1603G>A, p.Val535Met (NM_001144912.2, NM_001349236.2); c.1561G>A, p.Val521Met (NM_001349237.2); c.787G>A, p.Val263Met (NM_001349238.2); short protein forms V263M, V521M, V535M, V574M.
Identifiers: ClinVar variation 5039656 (VCV005039656.1).